The following is an entry in ClinVar:

NM_052876.4(NACC1):c.1325-14A>C

Gene: NACC1 (nucleus accumbens associated 1; plus strand). Cytogenetic location: 19p13.13.
Variant type: single nucleotide variant.
Coding change: c.1325-14A>C on transcript NM_052876.4 (MANE Select); 14 bases into the intron before coding-DNA position 1325, A replaced by C.
Molecular consequence: intron variant.
Genome position (GRCh38, 1-based): chr19:13,138,133, A>C. VCF-style: chr19-13138133-A-C. GRCh37 (hg19) VCF-style: chr19-13248947-A-C.
Identifiers: ClinVar variation 931073 (VCV000931073.3), dbSNP rs1600002218, ClinGen allele CA1139666306.

ClinVar aggregate classification (germline): Uncertain significance (1 of 4 stars; one submission).

Conditions:
Neurodevelopmental disorder with epilepsy, cataracts, feeding difficulties, and delayed brain myelination (NECFM). Identifiers: Orphanet 500545, MedGen C4479333, MONDO:0044306, OMIM 617393.

Submission:

Centre for Mendelian Genomics, University Medical Centre Ljubljana
Classification: Uncertain significance for Neurodevelopmental disorder with epilepsy, cataracts, feeding difficulties, and delayed brain myelination. Last evaluated: 2019-05-07. Review status: criteria provided, single submitter. Criteria: ACMG Guidelines, 2015. Collection method: clinical testing. Allele origin: unknown. Affected: yes.
Comment: This variant was classified as: Uncertain significance. The available evidence on this variant's pathogenicity is insufficient or conflicting. The following ACMG criteria were applied in classifying this variant: PM2,BP4.